The following is an entry in ClinVar:

NM_001199799.2(ILDR1):c.764C>T (p.Pro255Leu)

Gene: ILDR1 (immunoglobulin like domain containing receptor 1; minus strand). Cytogenetic location: 3q13.33.
Variant type: single nucleotide variant.
Coding change: c.764C>T on transcript NM_001199799.2 (MANE Select); coding-DNA position 764, C replaced by T.
Protein change: p.Pro255Leu; replaces proline 255 with leucine.
Molecular consequence: missense variant. On other transcripts: intron variant (1).
Genome position (GRCh38, 1-based): chr3:121,994,196, G>A on the plus strand (C>T on the coding strand, the complement: ILDR1 is on the minus strand). VCF-style: chr3-121994196-G-A. GRCh37 (hg19) VCF-style: chr3-121713043-G-A.
Other names: c.497C>T, p.Pro166Leu (NM_001199800.2); c.647-226C>T (NM_175924.4); short protein forms P255L, P166L.
Identifiers: ClinVar variation 505352 (VCV000505352.19), dbSNP rs144519399, ClinGen allele CA2568854.

ClinVar aggregate classification (germline): Benign/Likely benign. Review status: criteria provided, multiple submitters, no conflicts (2 of 4 stars). 5 submissions from 5 submitters: Benign (3); Likely benign (2). Last evaluated 2026-09-01.

Allele frequency attached by ClinVar (database versions not stated): TOPMed 0.00083; gnomAD exomes 0.00216 and 0.00268; 1000 Genomes Project 30x 0.00219; 1000 Genomes Project 0.00280; gnomAD 0.00355 and 0.00358; ExAC 0.00493.
gnomAD v4.1: 3,566 of 1,536,070 alleles (0.23%); highest among the groups gnomAD compares: East Asian, 1.2%; 37 homozygotes.

Submissions (5):

CeGaT Center for Human Genetics Tuebingen
Classification: Likely benign. Last evaluated: 2026-09-01. Review status: criteria provided, single submitter. Criteria: CeGaT Center For Human Genetics Tuebingen Variant Classification Criteria Version 2. Collection method: clinical testing. Allele origin: germline. Affected: yes. Observed: 2 variant alleles.
Comment: ILDR1: BP4, BS1

Labcorp Genetics (formerly Invitae), Labcorp
Classification: Benign. Last evaluated: 2025-11-10. Review status: criteria provided, single submitter. Criteria: Invitae Variant Classification Sherloc (09022015). Collection method: clinical testing. Allele origin: germline.

Mayo Clinic Laboratories, Mayo Clinic
Classification: Likely benign. Last evaluated: 2025-03-31. Review status: criteria provided, single submitter. Criteria: ACMG Guidelines, 2015. Collection method: clinical testing. Allele origin: germline. Observed: 1 variant allele.
Comment: BS1_supporting, BS2

GeneDx
Classification: Benign. Last evaluated: 2018-04-19. Review status: criteria provided, single submitter. Criteria: GeneDx Variant Classification (06012015). Collection method: clinical testing. Allele origin: germline. Affected: yes.
Comment: This variant is considered likely benign or benign based on one or more of the following criteria: it is a conservative change, it occurs at a poorly conserved position in the protein, it is predicted to be benign by multiple in silico algorithms, and/or has population frequency not consistent with disease.

Laboratory for Molecular Medicine, Mass General Brigham Personalized Medicine
Classification: Benign. Last evaluated: 2016-10-06. Review status: criteria provided, single submitter. Criteria: LMM Criteria. Collection method: clinical testing. Allele origin: germline. Observed: 2 variant alleles.
Comment: p.Pro255Leu in exon 6 of ILDR1: This variant is not expected to have clinical si gnificance because it has been identified in 3.3% (52/1586) of Finnish chromosom es by the Exome Aggregation Consortium (ExAC; db SNP rs144519399).